The following is an entry in ClinVar:

NM_198461.4(LONRF2):c.1444C>A (p.His482Asn)

Gene: LONRF2 (LON peptidase N-terminal domain and ring finger 2; minus strand). Cytogenetic location: 2q11.2.
Variant type: single nucleotide variant.
Coding change: c.1444C>A on transcript NM_198461.4 (MANE Select); coding-DNA position 1444, C replaced by A.
Protein change: p.His482Asn; replaces histidine 482 with asparagine.
Molecular consequence: missense variant.
Genome position (GRCh38, 1-based): chr2:100,298,868, G>T on the plus strand (C>A on the coding strand, the complement: LONRF2 is on the minus strand). VCF-style: chr2-100298868-G-T. GRCh37 (hg19) VCF-style: chr2-100915330-G-T.
Other names: c.715C>A, p.His239Asn (NM_001371783.1); short protein forms H239N, H482N.
Identifiers: ClinVar variation 2651206 (VCV002651206.24), dbSNP rs116702638, ClinGen allele CA1801913.
Genomic context (GRCh38, chr2:100,298,868, plus strand): 5'-GTCCCGTCATTTCCTAAAGTGTACTTACTTCCGAAAGTTTGTCTTTGCACAAAGGACAGT[G>T]TGGGGCGTGGTCAAGGCAGCGCTCAAGGCATTTTAGGCAAAATGTGTGTCCACAGGGCGT-3'
Protein context (NP_940863.3, residues 472-492): CLERCLDHAP[His482Asn]CPLCKDKLSE

ClinVar aggregate classification (germline): Likely benign (1 of 4 stars; one submission).

Allele frequency attached by ClinVar (database versions not stated): 1000 Genomes Project 30x 0.00312; 1000 Genomes Project 0.00319; TOPMed 0.00585; gnomAD 0.00705; ESP Exome Variant Server 0.00738; ExAC 0.00742; gnomAD exomes 0.00954.
gnomAD v4.1: 14,840 of 1,614,110 alleles (0.92%); highest among the groups gnomAD compares: Non-Finnish European, 1.1%; 85 homozygotes.

Submission:

CeGaT Center for Human Genetics Tuebingen
Classification: Likely benign. Last evaluated: 2023-03-01. Review status: criteria provided, single submitter. Criteria: CeGaT Center For Human Genetics Tuebingen Variant Classification Criteria Version 2. Collection method: clinical testing. Allele origin: germline. Affected: yes. Observed: 2 variant alleles.
Comment: LONRF2: BP4, BS2